The following is an entry in ClinVar:

ClinVar aggregate classification (germline): Uncertain significance (1 of 4 stars; one submission).

Conditions:
Idiopathic generalized epilepsy. Also called: Generalised epilepsy; EIG. Identifiers: MedGen C0270850, MONDO:0005579, OMIM 600669.

Submission:

Labcorp Genetics (formerly Invitae), Labcorp
Classification: Uncertain significance for Idiopathic generalized epilepsy. Last evaluated: 2020-11-26. Review status: criteria provided, single submitter. Criteria: Invitae Variant Classification Sherloc (09022015). Collection method: clinical testing. Allele origin: germline.
Comment: This sequence change replaces glutamine with proline at codon 95 of the RBFOX1 protein (p.Gln95Pro). The glutamine residue is moderately conserved and there is a moderate physicochemical difference between glutamine and proline. In summary, the available evidence is currently insufficient to determine the role of this variant in disease. Therefore, it has been classified as a Variant of Uncertain Significance. Algorithms developed to predict the effect of missense changes on protein structure and function output the following: SIFT: "Tolerated"; PolyPhen-2: "Benign"; Align-GVGD: "Class C0". The proline amino acid residue is found in multiple mammalian species, suggesting that this missense change does not adversely affect protein function. These predictions have not been confirmed by published functional studies and their clinical significance is uncertain. This variant has not been reported in the literature in individuals with RBFOX1-related conditions. This variant is not present in population databases (ExAC no frequency).

NM_018723.4(RBFOX1):c.224A>C (p.Gln75Pro)

Gene: RBFOX1 (RNA binding fox-1 homolog 1; plus strand). Cytogenetic location: 16p13.3.
Variant type: single nucleotide variant.
Coding change: c.224A>C on transcript NM_018723.4 (MANE Select); coding-DNA position 224, A replaced by C.
Protein change: p.Gln75Pro; replaces glutamine 75 with proline.
Molecular consequence: missense variant.
Genome position (GRCh38, 1-based): chr16:7,518,343, A>C. VCF-style: chr16-7518343-A-C. GRCh37 (hg19) VCF-style: chr16-7568345-A-C.
Other names: c.224A>C, p.Gln75Pro (NM_001142333.2, NM_001142334.2, NM_001364800.2); c.353A>C, p.Gln118Pro (NM_001308117.1); c.284A>C, p.Gln95Pro (NM_145891.3, NM_145892.3, NM_145893.3); short protein forms Q75P, Q95P, Q118P.
Identifiers: ClinVar variation 1493907 (VCV001493907.8), dbSNP rs2152189230, ClinGen allele CA394796678.
Genomic context (GRCh38, chr16:7,518,343, plus strand): 5'-AGACCACGGTTCCCGAGCACACATTAAACCTGTACCCTCCCGCCCAGACGCACTCCGAGC[A>C]GAGCCCGGCGGACACGAGCGCTCAGACCGTCTCTGGCACCGCCACAGTAAGTGGACGTGT-3'
Protein context (NP_061193.2, residues 65-85): LYPPAQTHSE[Gln75Pro]SPADTSAQTV